The following is an entry in ClinVar:

NM_033100.4(CDHR1):c.316G>A (p.Ala106Thr)

Gene: CDHR1 (cadherin related family member 1; plus strand). Cytogenetic location: 10q23.1.
Variant type: single nucleotide variant.
Coding change: c.316G>A on transcript NM_033100.4 (MANE Select); coding-DNA position 316, G replaced by A.
Protein change: p.Ala106Thr; replaces alanine 106 with threonine.
Molecular consequence: missense variant.
Genome position (GRCh38, 1-based): chr10:84,197,804, G>A. VCF-style: chr10-84197804-G-A. GRCh37 (hg19) VCF-style: chr10-85957560-G-A.
Other names: c.316G>A (NM_033100.2); c.316G>A, p.Ala106Thr (NM_001171971.3); short protein forms A106T.
Identifiers: ClinVar variation 998886 (VCV000998886.8), dbSNP rs1314653233, ClinGen allele CA377370834.
Genomic context (GRCh38, chr10:84,197,804, plus strand): 5'-TGTCAGACTCCTGGACACTCACTCAGTCCCTGTGCTTCACAGAGGGAAGATGAGATTGAA[G>A]CCATCATCAGCATTTCTGATGGCCTGAATCTGGTGAGTGCACGTCCAAGGCAGTCCCTGG-3'
Protein context (NP_149091.1, residues 96-116): LDREREDEIE[Ala106Thr]IISISDGLNL

ClinVar aggregate classification (germline): Uncertain significance. Review status: criteria provided, multiple submitters, no conflicts (2 of 4 stars). 3 submissions from 3 submitters: Uncertain significance (3). Last evaluated 2023-02-14.

Conditions:
Inborn genetic diseases. Identifiers: MedGen C0950123, MeSH D030342.

Allele frequency attached by ClinVar (database versions not stated): gnomAD exomes below 0.00001 and 0.00001; gnomAD 0.00001; TOPMed 0.00001.

Submissions (3):

Ambry Genetics
Classification: Uncertain significance for Inborn genetic diseases. Last evaluated: 2023-02-14. Review status: criteria provided, single submitter. Criteria: Ambry Variant Classification Scheme 2023. Collection method: clinical testing. Allele origin: germline.

Blueprint Genetics
Classification: Uncertain significance. Last evaluated: 2022-02-14. Review status: criteria provided, single submitter. Criteria: ACMG Guidelines, 2015. Collection method: clinical testing. Allele origin: germline.

Labcorp Genetics (formerly Invitae), Labcorp
Classification: Uncertain significance. Last evaluated: 2022-02-05. Review status: criteria provided, single submitter. Criteria: Invitae Variant Classification Sherloc (09022015). Collection method: clinical testing. Allele origin: germline.
Comment: Advanced modeling of protein sequence and biophysical properties (such as structural, functional, and spatial information, amino acid conservation, physicochemical variation, residue mobility, and thermodynamic stability) performed at Invitae indicates that this missense variant is not expected to disrupt CDHR1 protein function. ClinVar contains an entry for this variant (Variation ID: 998886). This variant has not been reported in the literature in individuals affected with CDHR1-related conditions. This variant is present in population databases (no rsID available, gnomAD 0.003%). This sequence change replaces alanine, which is neutral and non-polar, with threonine, which is neutral and polar, at codon 106 of the CDHR1 protein (p.Ala106Thr). In summary, the available evidence is currently insufficient to determine the role of this variant in disease. Therefore, it has been classified as a Variant of Uncertain Significance.